The following is an entry in ClinVar:

ClinVar aggregate classification (germline): Uncertain significance (1 of 4 stars; one submission).

Conditions:
Intellectual developmental disorder, autosomal recessive 37. Also called: Intellectual disability-hypotonia-spasticity-sleep disorder syndrome. Identifiers: Orphanet 356996, MedGen C3809672, MONDO:0014210, OMIM 615493.

Allele frequency attached by ClinVar (database versions not stated): gnomAD exomes below 0.00001.
gnomAD v4.1: 3 of 1,614,022 alleles (0.00019%); highest among the groups gnomAD compares: South Asian, 0.0033%; no homozygotes.

Submission:

Baylor Genetics
Classification: Uncertain significance for Intellectual developmental disorder, autosomal recessive 37. Last evaluated: 2019-06-21. Review status: criteria provided, single submitter. Criteria: ACMG Guidelines, 2015. Collection method: clinical testing. Allele origin: de novo. Affected: yes.
Comment: This variant was determined to be of uncertain significance according to ACMG Guidelines, 2015 [PMID:25741868].

NM_020987.5(ANK3):c.6122T>C (p.Ile2041Thr)

Gene: ANK3 (ankyrin 3; minus strand). Cytogenetic location: 10q21.2.
Variant type: single nucleotide variant.
Coding change: c.6122T>C on transcript NM_020987.5 (MANE Select); coding-DNA position 6122, T replaced by C.
Protein change: p.Ile2041Thr; replaces isoleucine 2041 with threonine.
Molecular consequence: missense variant. On other transcripts: intron variant (4).
Genome position (GRCh38, 1-based): chr10:60,074,759, A>G on the plus strand (T>C on the coding strand, the complement: ANK3 is on the minus strand). VCF-style: chr10-60074759-A-G. GRCh37 (hg19) VCF-style: chr10-61834517-A-G.
Other names: c.4387+5778T>C (NM_001204403.2); c.4408+5778T>C (NM_001204404.2); c.4405+5778T>C (NM_001320874.2); c.1807+5778T>C (NM_001149.4); short protein forms I2041T.
Identifiers: ClinVar variation 1030748 (VCV001030748.1), dbSNP rs1179149288, ClinGen allele CA377014061.